The following is an entry in ClinVar:

ClinVar aggregate classification (germline): Pathogenic (1 of 4 stars; one submission).

Conditions:
Retinal disorder. Also called: Retinopathy; Retinopathies; Retinal Diseases; Retinal disorders. Identifiers: MedGen C0035309, MONDO:0005283, HP:0000488.

gnomAD v4.1: 1 of 1,613,480 alleles (0.000062%); highest among the groups gnomAD compares: South Asian, 0.0011%; no homozygotes.

Submission:

North West Genomic Laboratory Hub, Manchester University NHS Foundation Trust
Classification: Pathogenic for Retinal disorders. Last evaluated: 2026-06-22. Review status: criteria provided, single submitter. Criteria: ACGS Best Practice Guidelines for Variant Classification in Rare Disease 2024. Collection method: clinical testing. Allele origin: germline. Affected: yes.
Comment: PM2_Mod PVS1_VStr PM3_Supp

NM_001297.5(CNGB1):c.2795-2A>G

Gene: CNGB1 (cyclic nucleotide gated channel subunit beta 1; minus strand). Cytogenetic location: 16q21.
Variant type: single nucleotide variant.
Coding change: c.2795-2A>G on transcript NM_001297.5 (MANE Select); the canonical splice acceptor site of the intron before coding-DNA position 2795, A replaced by G.
Molecular consequence: splice acceptor variant.
Genome position (GRCh38, 1-based): chr16:57,901,627, T>C on the plus strand (A>G on the coding strand, the complement: CNGB1 is on the minus strand). VCF-style: chr16-57901627-T-C. GRCh37 (hg19) VCF-style: chr16-57935531-T-C.
Other names: c.2777-2A>G (NM_001286130.2).
Identifiers: ClinVar variation 5010127 (VCV005010127.1).
Genomic context (GRCh38, chr16:57,901,627, plus strand): 5'-GTCGATGGCGAGGTCCAGCCGCATCTTGTCTGGAAGCTGCACCATCAGCTCTGACTCATC[T>C]GTGAACAAGGCCTGGCAAGGGTCAGAGGCAAGGCCGGGCCCCACCCCAGACATACATACC-3'